The following is an entry in ClinVar:

NM_000122.2(ERCC3):c.8A>G (p.Lys3Arg)

Gene: ERCC3 (ERCC excision repair 3, TFIIH core complex helicase subunit; minus strand). Cytogenetic location: 2q14.3.
Variant type: single nucleotide variant.
Coding change: c.8A>G on transcript NM_000122.2 (MANE Select); coding-DNA position 8, A replaced by G.
Protein change: p.Lys3Arg; replaces lysine 3 with arginine.
Molecular consequence: missense variant. On other transcripts: 5 prime UTR variant (2).
Genome position (GRCh38, 1-based): chr2:127,294,074, T>C on the plus strand (A>G on the coding strand, the complement: ERCC3 is on the minus strand). VCF-style: chr2-127294074-T-C. GRCh37 (hg19) VCF-style: chr2-128051650-T-C.
Other names: c.-382A>G (NM_001303416.2); c.-444A>G (NM_001303418.2); short protein forms K3R.
Identifiers: ClinVar variation 1939136 (VCV001939136.5), dbSNP rs1028560626, ClinGen allele CA55344388.

ClinVar aggregate classification (germline): Uncertain significance (1 of 4 stars; one submission).

Allele frequency attached by ClinVar (database versions not stated): gnomAD 0.00003; TOPMed 0.00003.
gnomAD v4.1: 5 of 1,608,374 alleles (0.00031%); highest among the groups gnomAD compares: African/African-American, 0.0067%; no homozygotes.

Submission:

Labcorp Genetics (formerly Invitae), Labcorp
Classification: Uncertain significance. Last evaluated: 2024-10-29. Review status: criteria provided, single submitter. Criteria: Invitae Variant Classification Sherloc (09022015). Collection method: clinical testing. Allele origin: germline.
Comment: This sequence change replaces lysine, which is basic and polar, with arginine, which is basic and polar, at codon 3 of the ERCC3 protein (p.Lys3Arg). This variant is present in population databases (no rsID available, gnomAD 0.009%). This variant has not been reported in the literature in individuals affected with ERCC3-related conditions. ClinVar contains an entry for this variant (Variation ID: 1939136). Experimental studies and prediction algorithms are not available or were not evaluated, and the functional significance of this variant is currently unknown. In summary, the available evidence is currently insufficient to determine the role of this variant in disease. Therefore, it has been classified as a Variant of Uncertain Significance.